The following is an entry in ClinVar:

NM_001267550.2(TTN):c.81094A>G (p.Ile27032Val)

Genes: TTN (titin; minus strand), TTN-AS1 (TTN antisense RNA 1; plus strand). Cytogenetic location: 2q31.2.
Variant type: single nucleotide variant.
Coding change: c.81094A>G on transcript NM_001267550.2 (MANE Select); coding-DNA position 81094, A replaced by G.
Protein change: p.Ile27032Val; replaces isoleucine 27032 with valine.
Molecular consequence: missense variant.
Genome position (GRCh38, 1-based): chr2:178,565,038, T>C on the plus strand (A>G on the coding strand, the complement: TTN is on the minus strand). VCF-style: chr2-178565038-T-C. GRCh37 (hg19) VCF-style: chr2-179429765-T-C.
Other names: c.76171A>G, p.Ile25391Val (NM_001256850.1); c.53899A>G, p.Ile17967Val (NM_003319.4); c.73390A>G, p.Ile24464Val (NM_133378.4); c.54274A>G, p.Ile18092Val (NM_133432.3); c.54475A>G, p.Ile18159Val (NM_133437.4); short protein forms I27032V, I17967V, I18159V, I24464V, I18092V, I25391V.
Identifiers: ClinVar variation 404681 (VCV000404681.5), dbSNP rs369908251, ClinGen allele CA1989252.

ClinVar aggregate classification (germline): Uncertain significance. Review status: criteria provided, multiple submitters, no conflicts (2 of 4 stars). 3 submissions from 3 submitters: Uncertain significance (3). Last evaluated 2025-10-20.

Conditions:
TTN-related disorder. Also called: TTN-related disorders; TTN-related condition; TTN-related disease.
Autosomal recessive limb-girdle muscular dystrophy type 2J (LGMDR10). Also called: Limb-girdle muscular dystrophy, type 2J; MUSCULAR DYSTROPHY, LIMB-GIRDLE, AUTOSOMAL RECESSIVE 10. Identifiers: Orphanet 140922, MedGen C1837342, MONDO:0012127, OMIM 608807.
Dilated cardiomyopathy 1G (CMD1G). Identifiers: Orphanet 154, MedGen C1858763, MONDO:0011400, OMIM 604145.
Early-onset myopathy with fatal cardiomyopathy (CMYO5). Also called: Salih Myopathy; CONGENITAL MYOPATHY 5 WITH CARDIOMYOPATHY. Identifiers: Orphanet 289377, MedGen C2673677, MONDO:0012714, OMIM 611705. Disease mechanism: loss of function.
Hypertrophic cardiomyopathy 9. Also called: Familial hypertrophic cardiomyopathy 9. Identifiers: MedGen C1861065, MONDO:0013412, OMIM 613765.
Myopathy, myofibrillar, 9, with early respiratory failure (MFM9). Also called: Hereditary myopathy with early respiratory failure; MYOPATHY, PROXIMAL, WITH EARLY RESPIRATORY MUSCLE INVOLVEMENT; EDSTROM MYOPATHY; Myopathy, distal, with early respiratory failure, autosomal dominant. Identifiers: Orphanet 178464, Orphanet 34521, MedGen C1863599, MONDO:0011362, OMIM 603689.
Tibial muscular dystrophy (TMD). Also called: UDD MYOPATHY; Tibial muscular dystrophy, tardive; Udd Distal Myopathy – Tibial Muscular Dystrophy. Identifiers: Orphanet 609, MedGen C1838244, MONDO:0010870, OMIM 600334.

Allele frequency attached by ClinVar (database versions not stated): gnomAD 0.00001; gnomAD exomes 0.00001 and 0.00003; ExAC 0.00002; TOPMed 0.00004.
gnomAD v4.1: 43 of 1,613,552 alleles (0.0027%); highest among the groups gnomAD compares: African/African-American, 0.024%; no homozygotes.

Submissions (3):

PreventionGenetics, part of Exact Sciences
Classification: Uncertain significance for TTN-related condition. Last evaluated: 2025-10-20. Review status: criteria provided, single submitter. Criteria: ACMG Guidelines, 2015. Collection method: clinical testing. Allele origin: germline.
Comment: The TTN c.81094A>G variant is predicted to result in the amino acid substitution p.Ile27032Val. To our knowledge, this variant has not been reported in the literature. This variant is reported in 0.0029% of alleles in individuals of Latino descent in gnomAD. At this time, the clinical significance of this variant is uncertain due to the absence of conclusive functional and genetic evidence.

Fulgent Genetics
Classification: Uncertain significance for Tibial muscular dystrophy; Myopathy, myofibrillar, 9, with early respiratory failure; Dilated cardiomyopathy 1G; Autosomal recessive limb-girdle muscular dystrophy type 2J; Early-onset myopathy with fatal cardiomyopathy; Hypertrophic cardiomyopathy 9. Last evaluated: 2021-09-01. Review status: criteria provided, single submitter. Criteria: ACMG Guidelines, 2015. Collection method: clinical testing. Allele origin: unknown.

Labcorp Genetics (formerly Invitae), Labcorp
Classification: Uncertain significance for Dilated cardiomyopathy 1G; Autosomal recessive limb-girdle muscular dystrophy type 2J. Last evaluated: 2017-07-18. Review status: criteria provided, single submitter. Criteria: Invitae Variant Classification Sherloc (09022015). Collection method: clinical testing. Allele origin: germline.